The following is an entry in ClinVar:

NM_002907.4(RECQL):c.1544T>C (p.Leu515Pro)

Gene: RECQL (RecQ like helicase; minus strand). Cytogenetic location: 12p12.1.
Variant type: single nucleotide variant.
Coding change: c.1544T>C on transcript NM_002907.4 (MANE Select); coding-DNA position 1544, T replaced by C.
Protein change: p.Leu515Pro; replaces leucine 515 with proline.
Molecular consequence: missense variant.
Genome position (GRCh38, 1-based): chr12:21,471,551, A>G on the plus strand (T>C on the coding strand, the complement: RECQL is on the minus strand). VCF-style: chr12-21471551-A-G. GRCh37 (hg19) VCF-style: chr12-21624485-A-G.
Other names: c.1544T>C, p.Leu515Pro (NM_032941.3); short protein forms L515P.
Identifiers: ClinVar variation 1774909 (VCV001774909.8), dbSNP rs1942965356, ClinGen allele CA384116186.

ClinVar aggregate classification (germline): Uncertain significance. Review status: criteria provided, multiple submitters, no conflicts (2 of 4 stars). 2 submissions from 2 submitters: Uncertain significance (2). Last evaluated 2025-10-23.

Allele frequency attached by ClinVar (database versions not stated): gnomAD exomes below 0.00001.

Submissions (2):

Labcorp Genetics (formerly Invitae), Labcorp
Classification: Uncertain significance. Last evaluated: 2025-10-23. Review status: criteria provided, single submitter. Criteria: Invitae Variant Classification Sherloc (09022015). Collection method: clinical testing. Allele origin: germline.
Comment: This sequence change replaces leucine, which is neutral and non-polar, with proline, which is neutral and non-polar, at codon 515 of the RECQL protein (p.Leu515Pro). This variant is not present in population databases (gnomAD no frequency). This variant has not been reported in the literature in individuals affected with RECQL-related conditions. ClinVar contains an entry for this variant (Variation ID: 1774909). Invitae Evidence Modeling of protein sequence and biophysical properties (such as structural, functional, and spatial information, amino acid conservation, physicochemical variation, residue mobility, and thermodynamic stability) indicates that this missense variant is expected to disrupt RECQL protein function with a positive predictive value of 80%. In summary, the available evidence is currently insufficient to determine the role of this variant in disease. Therefore, it has been classified as a Variant of Uncertain Significance.

Ambry Genetics
Classification: Uncertain significance. Last evaluated: 2024-07-02. Review status: criteria provided, single submitter. Criteria: Ambry Variant Classification Scheme 2023. Collection method: clinical testing. Allele origin: germline.
Comment: The p.L515P variant (also known as c.1544T>C), located in coding exon 12 of the RECQL gene, results from a T to C substitution at nucleotide position 1544. The leucine at codon 515 is replaced by proline, an amino acid with similar properties. This amino acid position is highly conserved in available vertebrate species. In addition, the in silico prediction for this alteration is inconclusive. The evidence for this gene-disease relationship is limited; therefore, the clinical significance of this alteration is unclear.